The following is an entry in ClinVar:

NM_024675.4(PALB2):c.318del (p.Phe107fs)

Gene: PALB2 (partner and localizer of BRCA2; minus strand). Cytogenetic location: 16p12.2.
Variant type: Deletion.
Coding change: c.318del on transcript NM_024675.4 (MANE Select); coding-DNA position 318, one base deleted (C; older notation c.318delC).
Protein change: p.Phe107fs; shifts the reading frame from phenylalanine 107.
Molecular consequence: frameshift variant.
Genome position (GRCh38, 1-based): chr16:23,636,228, G deleted on the plus strand (C on the coding strand, the reverse complement: PALB2 is on the minus strand); the first of 2 consecutive G bases (chr16:23,636,228-23,636,229); deleting either gives the same sequence. VCF-style (leftmost placement, unchanged base first): chr16-23636227-AG-A. GRCh37 (hg19) VCF-style: chr16-23647548-AG-A.
Other names: short protein forms F107fs.
Identifiers: ClinVar variation 949114 (VCV000949114.9), dbSNP rs1967055062, ClinGen allele CA1139664626.

ClinVar aggregate classification (germline): Pathogenic. Review status: criteria provided, multiple submitters, no conflicts (2 of 4 stars). 2 submissions from 2 submitters: Pathogenic (2). Last evaluated 2025-04-22.

Conditions:
Familial cancer of breast. Also called: Hereditary breast cancer; hereditary breast carcinoma; BREAST CANCER, FAMILIAL. Identifiers: Orphanet 227535, MedGen C0346153, MONDO:0016419, OMIM 114480. Disease mechanism: loss of function.

Submissions (2):

Myriad Genetics, Inc.
Classification: Pathogenic for Familial cancer of breast. Last evaluated: 2025-04-22. Review status: criteria provided, single submitter. Criteria: Myriad Autosomal Dominant, Autosomal Recessive and X-Linked Classification Criteria (2023). Collection method: clinical testing. Allele origin: unknown.
Comment: This variant is considered pathogenic. This variant creates a frameshift predicted to result in premature protein truncation.

Labcorp Genetics (formerly Invitae), Labcorp
Classification: Pathogenic for Familial cancer of breast. Last evaluated: 2019-08-02. Review status: criteria provided, single submitter. Criteria: Invitae Variant Classification Sherloc (09022015). Collection method: clinical testing. Allele origin: germline.
Comment: This sequence change creates a premature translational stop signal (p.Phe107Leufs*70) in the PALB2 gene. It is expected to result in an absent or disrupted protein product. For these reasons, this variant has been classified as Pathogenic. Loss-of-function variants in PALB2 are known to be pathogenic (PMID: 17200668, 24136930, 25099575). This variant has not been reported in the literature in individuals with PALB2-related conditions. This variant is not present in population databases (ExAC no frequency).

Literature cited by the submitters: PubMed 17200668 (cited by Labcorp Genetics (formerly Invitae), Labcorp); PubMed 24136930 (cited by Labcorp Genetics (formerly Invitae), Labcorp); PubMed 25099575 (cited by Labcorp Genetics (formerly Invitae), Labcorp).